The following is an entry in ClinVar:

NM_001171.6(ABCC6):c.1652T>C (p.Phe551Ser)

Gene: ABCC6 (ATP binding cassette subfamily C member 6; minus strand). Cytogenetic location: 16p13.11.
Variant type: single nucleotide variant.
Coding change: c.1652T>C on transcript NM_001171.6 (MANE Select); coding-DNA position 1652, T replaced by C.
Protein change: p.Phe551Ser; replaces phenylalanine 551 with serine.
Molecular consequence: missense variant. On other transcripts: non-coding transcript variant (1).
Genome position (GRCh38, 1-based): chr16:16,188,958, A>G on the plus strand (T>C on the coding strand, the complement: ABCC6 is on the minus strand). VCF-style: chr16-16188958-A-G. GRCh37 (hg19) VCF-style: chr16-16282815-A-G.
Other names: c.1310T>C, p.Phe437Ser (NM_001351800.1); short protein forms F551S, F437S.
Identifiers: ClinVar variation 433239 (VCV000433239.9), dbSNP rs72653774, ClinGen allele CA278657033.

ClinVar aggregate classification (germline): Conflicting classifications of pathogenicity. Review status: criteria provided, conflicting classifications (1 of 4 stars). 5 submissions from 5 submitters: Likely pathogenic (1); Uncertain significance (3). 1 of the submissions does not count toward it. Last evaluated 2025-07-31.

Conditions:
ABCC6-related disorder. Also called: ABCC6-related condition.
Arterial calcification, generalized, of infancy, 2. Identifiers: Orphanet 51608, MedGen C3276161, MONDO:0013768, OMIM 614473.
Autosomal recessive inherited pseudoxanthoma elasticum (PXE). Identifiers: Orphanet 758, MedGen CN032334, MONDO:0009925, OMIM 264800.
Pseudoxanthoma elasticum, forme fruste. Also called: Pseudoxanthoma Elasticum, Incomplete; PSEUDOXANTHOMA ELASTICUM, HETEROZYGOUS. Identifiers: Orphanet 758, MedGen C1867450, MONDO:0008333, OMIM 177850.

Allele frequency attached by ClinVar (database versions not stated): gnomAD exomes below 0.00001 and 0.00001; TOPMed below 0.00001; gnomAD 0.00003.
gnomAD v4.1: 12 of 1,613,888 alleles (0.00074%); highest among the groups gnomAD compares: Non-Finnish European, 0.001%; no homozygotes.

Submissions (5):

PreventionGenetics, part of Exact Sciences
Classification: Uncertain significance for ABCC6-related condition. Last evaluated: 2025-07-31. Review status: criteria provided, single submitter. Criteria: ACMG Guidelines, 2015. Collection method: clinical testing. Allele origin: germline.
Comment: The ABCC6 c.1652T>C variant is predicted to result in the amino acid substitution p.Phe551Ser. This variant was reported in the compound heterozygous state in an individual with pseudoxanthoma elasticum (Miksch et al. 2005. PubMed ID: 16086317). This variant is reported in 0.0016% of alleles in individuals of European (Non-Finnish) descent in gnomAD. At this time, the clinical significance of this variant is uncertain due to the absence of conclusive functional and genetic evidence.

Labcorp Genetics (formerly Invitae), Labcorp
Classification: Likely pathogenic. Last evaluated: 2024-05-15. Review status: criteria provided, single submitter. Criteria: Invitae Variant Classification Sherloc (09022015). Collection method: clinical testing. Allele origin: germline.
Comment: This sequence change replaces phenylalanine, which is neutral and non-polar, with serine, which is neutral and polar, at codon 551 of the ABCC6 protein (p.Phe551Ser). This variant is present in population databases (rs72653774, gnomAD 0.002%). This missense change has been observed in individuals with pseudoxanthoma elasticum (PMID: 16086317; Invitae). ClinVar contains an entry for this variant (Variation ID: 433239). Advanced modeling of protein sequence and biophysical properties (such as structural, functional, and spatial information, amino acid conservation, physicochemical variation, residue mobility, and thermodynamic stability) performed at Invitae indicates that this missense variant is expected to disrupt ABCC6 protein function with a positive predictive value of 95%. In summary, the currently available evidence indicates that the variant is pathogenic, but additional data are needed to prove that conclusively. Therefore, this variant has been classified as Likely Pathogenic.

Blueprint Genetics
Classification: Uncertain significance. Last evaluated: 2023-12-21. Review status: criteria provided, single submitter. Criteria: ACMG Guidelines, 2015. Collection method: clinical testing. Allele origin: germline.

Fulgent Genetics
Classification: Uncertain significance for Pseudoxanthoma elasticum, forme fruste; Autosomal recessive inherited pseudoxanthoma elasticum; Arterial calcification, generalized, of infancy, 2. Last evaluated: 2021-09-22. Review status: criteria provided, single submitter. Criteria: ACMG Guidelines, 2015. Collection method: clinical testing. Allele origin: unknown.

PXE International
Classification: Uncertain significance for Autosomal recessive inherited pseudoxanthoma elasticum. Last evaluated: 2021-02-16. Review status: no assertion criteria provided. Collection method: research. Allele origin: germline. Inheritance: Autosomal recessive inheritance. Affected: yes. Observed: 1 variant allele. Not counted in ClinVar's aggregate classification.

Literature cited by the submitters: PubMed 16086317 (cited by Labcorp Genetics (formerly Invitae), Labcorp and PXE International); PubMed 32873932 (cited by PXE International).